The following is an entry in ClinVar:

NM_021965.4(PGM5):c.1164T>C (p.Ser388=)

Gene: PGM5 (phosphoglucomutase 5; plus strand). Cytogenetic location: 9q21.11.
Variant type: single nucleotide variant.
Coding change: c.1164T>C on transcript NM_021965.4 (MANE Select); coding-DNA position 1164, T replaced by C.
Protein change: p.Ser388=; no amino-acid change (serine 388 retained).
Molecular consequence: synonymous variant.
Genome position (GRCh38, 1-based): chr9:68,479,422, T>C. VCF-style: chr9-68479422-T-C. GRCh37 (hg19) VCF-style: chr9-71094338-T-C.
Identifiers: ClinVar variation 4280793 (VCV004280793.7).
Genomic context (GRCh38, chr9:68,479,422, plus strand): 5'-GCTTTTGCTTTGCTCCCACAAATGAATGCTCAGCAGAATTTTTCTTTCACCTTTAGGCTC[T>C]GACCACCTCCGAGAGAAGGATGGCCTGTGGGCTGTCTTGGTCTGGCTCTCCATTATTGCT-3'
Protein context (NP_068800.2, residues 378-398): LCGEESFGTG[Ser388=]DHLREKDGLW

ClinVar aggregate classification (germline): Likely benign (1 of 4 stars; one submission).

gnomAD v4.1: 269 of 1,610,572 alleles (0.017%); highest among the groups gnomAD compares: African/African-American, 0.29%; 2 homozygotes.

Submission:

CeGaT Center for Human Genetics Tuebingen
Classification: Likely benign. Last evaluated: 2025-09-01. Review status: criteria provided, single submitter. Criteria: CeGaT Center For Human Genetics Tuebingen Variant Classification Criteria Version 2. Collection method: clinical testing. Allele origin: germline. Affected: yes. Observed: 1 variant allele.
Comment: PGM5: BP4, BP7